The following is an entry in ClinVar:

NM_145239.3(PRRT2):c.796C>T (p.Arg266Trp)

Genes: MVP-DT (MVP divergent transcript; minus strand), PRRT2 (proline rich transmembrane protein 2; plus strand). Cytogenetic location: 16p11.2.
Variant type: single nucleotide variant.
Coding change: c.796C>T on transcript NM_145239.3 (MANE Select); coding-DNA position 796, C replaced by T.
Protein change: p.Arg266Trp; replaces arginine 266 with tryptophan.
Molecular consequence: missense variant.
Genome position (GRCh38, 1-based): chr16:29,813,850, C>T. VCF-style: chr16-29813850-C-T. GRCh37 (hg19) VCF-style: chr16-29825171-C-T.
Other names: c.796C>T, p.Arg266Trp (NM_001256442.2, NM_001256443.2); short protein forms R266W.
Identifiers: ClinVar variation 31177 (VCV000031177.9), dbSNP rs387907128, ClinGen allele CA259999.

ClinVar aggregate classification (germline): Conflicting classifications of pathogenicity. Review status: criteria provided, conflicting classifications (1 of 4 stars). 4 submissions from 4 submitters: Pathogenic (1); Uncertain significance (2). 1 of the submissions does not count toward it. Last evaluated 2025-06-20.

Conditions:
Episodic kinesigenic dyskinesia (EKD). Also called: Paroxysmal kinesigenic dyskinesia. Identifiers: Orphanet 98809, MedGen C1868682, MONDO:0044202.
Episodic kinesigenic dyskinesia 1 (EKD1). Also called: PRRT2-Related Paroxysmal Kinesigenic Dyskinesia (PKD); PAROXYSMAL KINESIGENIC CHOREOATHETOSIS; Dystonia 10; DYSTONIA, FAMILIAL PAROXYSMAL; PxMD-PRRT2. Identifiers: Orphanet 98809, MedGen C4552000, MONDO:0100352, OMIM 128200, MONDO:0007494.

Allele frequency attached by ClinVar (database versions not stated): ExAC 0.00001; gnomAD exomes below 0.00001 and 0.00001; gnomAD 0.00001.
gnomAD v4.1: 12 of 1,613,630 alleles (0.00074%); highest among the groups gnomAD compares: Non-Finnish European, 0.001%; no homozygotes.

Submissions (4):

Women's Health and Genetics/Laboratory Corporation of America, LabCorp
Classification: Uncertain significance. Last evaluated: 2025-06-20. Review status: criteria provided, single submitter. Criteria: LabCorp Variant Classification Summary - May 2015. Collection method: clinical testing. Allele origin: germline.
Comment: Variant summary: PRRT2 c.796C>T (p.Arg266Trp) results in a non-conservative amino acid change in the encoded protein sequence. Algorithms developed to predict the effect of missense changes on protein structure and function are either unavailable or do not agree on the potential impact of this missense change. The variant allele was found at a frequency of 4e-06 in 251012 control chromosomes. c.796C>T has been observed in individual(s) affected with Episodic Kinesigenic Dyskinesia 1 (Wang_2011, internal data), epilepsy and/or neurodevelopmental disorders (Lindy_2018), and self-limited infantile epilepsy (Tian_2023). These data indicate that the variant may be associated with disease. At least one publication reports experimental evidence evaluating an impact on protein function, however, does not allow convincing conclusions about the variant effect (Zhao_2020). The following publications have been ascertained in the context of this evaluation (PMID: 31589614, 29655203, 32906206, 22120146, 31124310, 37880614). ClinVar contains an entry for this variant (Variation ID: 31177). Based on the evidence outlined above, the variant was classified as VUS-possibly pathogenic.

Labcorp Genetics (formerly Invitae), Labcorp
Classification: Uncertain significance for Episodic kinesigenic dyskinesia. Last evaluated: 2024-06-26. Review status: criteria provided, single submitter. Criteria: Invitae Variant Classification Sherloc (09022015). Collection method: clinical testing. Allele origin: germline.
Comment: This sequence change replaces arginine, which is basic and polar, with tryptophan, which is neutral and slightly polar, at codon 266 of the PRRT2 protein (p.Arg266Trp). This variant is present in population databases (rs387907128, gnomAD 0.0009%). This missense change has been observed in individuals with paroxysmal kinesigenic dyskinesia (PMID: 22120146; Invitae). ClinVar contains an entry for this variant (Variation ID: 31177). Advanced modeling of protein sequence and biophysical properties (such as structural, functional, and spatial information, amino acid conservation, physicochemical variation, residue mobility, and thermodynamic stability) has been performed at Invitae for this missense variant, however the output from this modeling did not meet the statistical confidence thresholds required to predict the impact of this variant on PRRT2 protein function. Experimental studies have shown that this missense change does not substantially affect PRRT2 function (PMID: 31124310, 37271286). This variant disrupts the p.Arg266 amino acid residue in PRRT2. Other variant(s) that disrupt this residue have been observed in individuals with PRRT2-related conditions (PMID: 22120146, 26446061; Invitae), which suggests that this may be a clinically significant amino acid residue. In summary, the available evidence is currently insufficient to determine the role of this variant in disease. Therefore, it has been classified as a Variant of Uncertain Significance.

Mendelics
Classification: Pathogenic for Episodic kinesigenic dyskinesia 1. Last evaluated: 2022-05-04. Review status: criteria provided, single submitter. Criteria: Mendelics Assertion Criteria 2019. Collection method: clinical testing. Allele origin: germline.

OMIM
Classification: Pathogenic for EPISODIC KINESIGENIC DYSKINESIA 1. Last evaluated: 2011-12-01. Review status: no assertion criteria provided. Collection method: literature only. Allele origin: germline. Not counted in ClinVar's aggregate classification.

Literature cited by the submitters: PubMed 32906206 (cited by Women's Health and Genetics/Laboratory Corporation of America, LabCorp); PubMed 31589614 (cited by Women's Health and Genetics/Laboratory Corporation of America, LabCorp); PubMed 29655203 (cited by Women's Health and Genetics/Laboratory Corporation of America, LabCorp); PubMed 22120146 (cited by 3 submitters); PubMed 31124310 (cited by Women's Health and Genetics/Laboratory Corporation of America, LabCorp and Labcorp Genetics (formerly Invitae), Labcorp); PubMed 37880614 (cited by Women's Health and Genetics/Laboratory Corporation of America, LabCorp); PubMed 37271286 (cited by Labcorp Genetics (formerly Invitae), Labcorp); PubMed 26446061 (cited by Labcorp Genetics (formerly Invitae), Labcorp).